The following is an entry in ClinVar:

ClinVar aggregate classification (germline): Uncertain significance. Review status: criteria provided, multiple submitters, no conflicts (2 of 4 stars). 4 submissions from 4 submitters: Uncertain significance (4). Last evaluated 2026-07-10.

Conditions:
Familial thoracic aortic aneurysm and aortic dissection (TAAD). Also called: Thoracic aortic aneurysms and dissections. Identifiers: Orphanet 91387, MedGen C4707243, MONDO:0019625.
Arterial tortuosity syndrome (ATORS). Identifiers: Orphanet 3342, MedGen C1859726, MONDO:0008818, OMIM 208050.

Allele frequency attached by ClinVar (database versions not stated): ExAC 0.00002; TOPMed 0.00001; gnomAD exomes 0.00002; gnomAD 0.00002.
gnomAD v4.1: 26 of 1,614,006 alleles (0.0016%); highest among the groups gnomAD compares: East Asian, 0.0022%; no homozygotes.

Submissions (4):

Ambry Genetics
Classification: Uncertain significance for Familial thoracic aortic aneurysm and aortic dissection. Last evaluated: 2026-07-10. Review status: criteria provided, single submitter. Criteria: Ambry Variant Classification Scheme 2023. Collection method: clinical testing. Allele origin: germline.
Comment: The p.A287T variant (also known as c.859G>A), located in coding exon 2 of the SLC2A10 gene, results from a G to A substitution at nucleotide position 859. The alanine at codon 287 is replaced by threonine, an amino acid with similar properties. This amino acid position is well conserved in available vertebrate species. In addition, the in silico prediction for this alteration is inconclusive. Based on the available evidence, the clinical significance of this variant remains unclear.

Fulgent Genetics
Classification: Uncertain significance for Arterial tortuosity syndrome. Last evaluated: 2024-06-11. Review status: criteria provided, single submitter. Criteria: ACMG Guidelines, 2015. Collection method: clinical testing. Allele origin: germline.

Labcorp Genetics (formerly Invitae), Labcorp
Classification: Uncertain significance for Arterial tortuosity syndrome. Last evaluated: 2021-09-24. Review status: criteria provided, single submitter. Criteria: Invitae Variant Classification Sherloc (09022015). Collection method: clinical testing. Allele origin: germline.
Comment: This sequence change replaces alanine with threonine at codon 287 of the SLC2A10 protein (p.Ala287Thr). The alanine residue is highly conserved and there is a small physicochemical difference between alanine and threonine. This variant is present in population databases (rs780058786, ExAC 0.003%). This variant has not been reported in the literature in individuals with SLC2A10-related conditions. ClinVar contains an entry for this variant (Variation ID: 213730). Advanced modeling of protein sequence and biophysical properties (such as structural, functional, and spatial information, amino acid conservation, physicochemical variation, residue mobility, and thermodynamic stability) performed at Invitae indicates that this missense variant is expected to disrupt SLC2A10 protein function. In summary, the available evidence is currently insufficient to determine the role of this variant in disease. Therefore, it has been classified as a Variant of Uncertain Significance.

GeneDx
Classification: Uncertain significance. Last evaluated: 2017-03-20. Review status: criteria provided, single submitter. Criteria: GeneDx Variant Classification (06012015). Collection method: clinical testing. Allele origin: germline. Affected: yes.
Comment: A variant of uncertain significance has been identified in the SLC2A10 gene. The A287T variant has not been published as pathogenic or been reported as benign to our knowledge. This variant is not observed at a significant frequency in large population cohorts (Lek et al., 2016; 1000 Genomes Consortium et al., 2015; Exome Variant Server). The A287T variant is a non-conservative amino acid substitution, which is likely to impact secondary protein structure as these residues differ in polarity, charge, size and/or other properties. Additionally, this substitution occurs at a position that is conserved across species and in silico analysis predicts this variant is probably damaging to the protein structure/function.

NM_030777.4(SLC2A10):c.859G>A (p.Ala287Thr)

Gene: SLC2A10 (solute carrier family 2 member 10; plus strand). Cytogenetic location: 20q13.12.
Variant type: single nucleotide variant.
Coding change: c.859G>A on transcript NM_030777.4 (MANE Select); coding-DNA position 859, G replaced by A.
Protein change: p.Ala287Thr; replaces alanine 287 with threonine.
Molecular consequence: missense variant.
Genome position (GRCh38, 1-based): chr20:46,725,895, G>A. VCF-style: chr20-46725895-G-A. GRCh37 (hg19) VCF-style: chr20-45354534-G-A.
Other names: p.A287T:GCC>ACC; short protein forms A287T.
Identifiers: ClinVar variation 213730 (VCV000213730.9), dbSNP rs780058786, ClinGen allele CA320425.